The following is an entry in ClinVar:

NM_198576.4(AGRN):c.4869C>A (p.Phe1623Leu)

Gene: AGRN (agrin; plus strand). Cytogenetic location: 1p36.33.
Variant type: single nucleotide variant.
Coding change: c.4869C>A on transcript NM_198576.4 (MANE Select); coding-DNA position 4869, C replaced by A.
Protein change: p.Phe1623Leu; replaces phenylalanine 1623 with leucine.
Molecular consequence: missense variant.
Genome position (GRCh38, 1-based): chr1:1,050,027, C>A. VCF-style: chr1-1050027-C-A. GRCh37 (hg19) VCF-style: chr1-985407-C-A.
Other names: c.4869C>A, p.Phe1623Leu (NM_001305275.2); c.4554C>A, p.Phe1518Leu (NM_001364727.2); short protein forms F1623L, F1518L.
Identifiers: ClinVar variation 282708 (VCV000282708.10), dbSNP rs748076659, ClinGen allele CA509667.

ClinVar aggregate classification (germline): Conflicting classifications of pathogenicity. Review status: criteria provided, conflicting classifications (1 of 4 stars). 3 submissions from 3 submitters: Uncertain significance (2); Likely benign (1). Last evaluated 2022-06-20.

Conditions:
Inborn genetic diseases. Identifiers: MedGen C0950123, MeSH D030342.
Congenital myasthenic syndrome 8. Also called: MYASTHENIC SYNDROME, CONGENITAL, DUE TO AGRIN DEFICIENCY; Myasthenic syndrome, congenital, 8, with pre- and postsynaptic defects. Identifiers: Orphanet 590, MedGen C3808739, MONDO:0014052, OMIM 615120.

Allele frequency attached by ClinVar (database versions not stated): gnomAD 0.00001 and 0.00002; TOPMed 0.00005; ExAC 0.00006; gnomAD exomes 0.00006.
gnomAD v4.1: 41 of 1,533,250 alleles (0.0027%); highest among the groups gnomAD compares: Middle Eastern, 0.071%; no homozygotes.

Submissions (3):

Labcorp Genetics (formerly Invitae), Labcorp
Classification: Uncertain significance for Congenital myasthenic syndrome 8. Last evaluated: 2022-06-20. Review status: criteria provided, single submitter. Criteria: Invitae Variant Classification Sherloc (09022015). Collection method: clinical testing. Allele origin: germline.
Comment: This sequence change replaces phenylalanine, which is neutral and non-polar, with leucine, which is neutral and non-polar, at codon 1623 of the AGRN protein (p.Phe1623Leu). This variant is present in population databases (rs748076659, gnomAD 0.01%). This variant has not been reported in the literature in individuals affected with AGRN-related conditions. ClinVar contains an entry for this variant (Variation ID: 282708). Algorithms developed to predict the effect of missense changes on protein structure and function output the following: SIFT: "Tolerated"; PolyPhen-2: "Benign"; Align-GVGD: "Class C0". The leucine amino acid residue is found in multiple mammalian species, which suggests that this missense change does not adversely affect protein function. In summary, the available evidence is currently insufficient to determine the role of this variant in disease. Therefore, it has been classified as a Variant of Uncertain Significance.

Ambry Genetics
Classification: Likely benign for Inborn genetic diseases. Last evaluated: 2022-04-25. Review status: criteria provided, single submitter. Criteria: Ambry Variant Classification Scheme 2023. Collection method: clinical testing. Allele origin: germline.

Eurofins Ntd Llc (ga)
Classification: Uncertain significance. Last evaluated: 2015-08-14. Review status: criteria provided, single submitter. Criteria: EGL Classification Definitions 2015. Collection method: clinical testing. Allele origin: germline. Observed: 1 variant allele, 1 heterozygote.